The following is an entry in ClinVar:

NM_133379.5(TTN):c.16436T>G (p.Ile5479Arg)

Gene: TTN (titin; minus strand). Cytogenetic location: 2q31.2.
Variant type: single nucleotide variant.
Coding change: c.16436T>G on transcript NM_133379.5; coding-DNA position 16436, T replaced by G.
Protein change: p.Ile5479Arg; replaces isoleucine 5479 with arginine.
Molecular consequence: missense variant. On other transcripts: intron variant (6).
Genome position (GRCh38, 1-based): chr2:178,745,964, A>C on the plus strand (T>G on the coding strand, the complement: TTN is on the minus strand). VCF-style: chr2-178745964-A-C. GRCh37 (hg19) VCF-style: chr2-179610691-A-C.
Other names: p.I5479R:ATA>AGA; c.16436T>G (NM_133379.4); c.10223-4043T>G (NM_003319.4); c.10799-4043T>G (NM_133437.4); c.10598-4043T>G (NM_133432.3); c.10360+7160T>G (NM_133378.4); c.10361-4043T>G (NM_001256850.1); c.11312-4043T>G (NM_001267550.2); short protein forms I5479R.
Identifiers: ClinVar variation 203218 (VCV000203218.3), dbSNP rs142371552, ClinGen allele CA311713.

ClinVar aggregate classification (germline): Conflicting classifications of pathogenicity. Review status: criteria provided, conflicting classifications (1 of 4 stars). 2 submissions from 2 submitters: Uncertain significance (1); Likely benign (1). Last evaluated 2026-03-27.

Allele frequency attached by ClinVar (database versions not stated): gnomAD exomes 0.00001; TOPMed 0.00002; ESP Exome Variant Server 0.00008; ExAC 0.00001; gnomAD 0.00003.
gnomAD v4.1: 68 of 1,610,142 alleles (0.0042%); highest among the groups gnomAD compares: Non-Finnish European, 0.0058%; no homozygotes.

Submissions (2):

Molecular Diagnostic Laboratory for Inherited Cardiovascular Disease, Montreal Heart Institute
Classification: Likely benign. Last evaluated: 2026-03-27. Review status: criteria provided, single submitter. Criteria: ACMG Guidelines, 2015. Collection method: clinical testing. Allele origin: germline. Affected: no.
Comment: BP1

GeneDx
Classification: Uncertain significance. Last evaluated: 2014-04-19. Review status: criteria provided, single submitter. Criteria: GeneDx Variant Classification (06012015). Collection method: clinical testing. Allele origin: germline. Affected: yes.
Comment: Missense variants in the TTN gene are considered 'unclassified' if they are not previously reported in the literature and do not have >1% frequency in the population to be considered a polymorphism. Research indicates that truncating mutations in the TTN gene are expected to account for approximately 25% of familial and 18% of sporadic idiopathic DCM; however, truncating variants in the TTN gene have been reported in approximately 3% of reported control alleles. There has been little investigation into non-truncating variants. (Herman D et al. Truncations of titin causing dilated cardiomyopathy. N Eng J Med 366:619-628, 2012) The variant is found in CARDIOMYOPATHY panel(s).